The following is an entry in ClinVar:

ClinVar aggregate classification (germline): Uncertain significance (1 of 4 stars; one submission).

Conditions:
Hereditary spastic paraplegia 30. Identifiers: Orphanet 101010, MedGen C5235139, MONDO:0012476.
Neuropathy, hereditary sensory, type 2C. Also called: Hereditary sensory and autonomic neuropathy type IIC; KIF1A-Related HSAN2 (HSAN2C). Identifiers: Orphanet 970, MedGen C3280168, MONDO:0013634, OMIM 614213.
Intellectual disability, autosomal dominant 9 (NESCAVS). Also called: NESCAV SYNDROME; KIF1A-Related Neurodevelopmental Disorder. Identifiers: Orphanet 662367, MedGen C5393830, MONDO:0013656, OMIM 614255.

Allele frequency attached by ClinVar (database versions not stated): gnomAD exomes below 0.00001.
gnomAD v4.1: 1 of 1,603,196 alleles (0.000062%); highest among the groups gnomAD compares: Non-Finnish European, 0.000085%; no homozygotes.

Submission:

Labcorp Genetics (formerly Invitae), Labcorp
Classification: Uncertain significance for Hereditary spastic paraplegia 30; Neuropathy, hereditary sensory, type 2C; Intellectual disability, autosomal dominant 9. Last evaluated: 2021-04-16. Review status: criteria provided, single submitter. Criteria: Invitae Variant Classification Sherloc (09022015). Collection method: clinical testing. Allele origin: germline.
Comment: This variant is not present in population databases (ExAC no frequency). This sequence change affects codon 1480 of the KIF1A mRNA. It is a 'silent' change, meaning that it does not change the encoded amino acid sequence of the KIF1A protein. This variant also falls at the last nucleotide of exon 41 of the KIF1A coding sequence, which is part of the consensus splice site for this exon. In summary, the available evidence is currently insufficient to determine the role of this variant in disease. Therefore, it has been classified as a Variant of Uncertain Significance. Nucleotide substitutions within the consensus splice site are a relatively common cause of aberrant splicing (PMID: 17576681, 9536098). Algorithms developed to predict the effect of sequence changes on RNA splicing suggest that this variant may disrupt the consensus splice site, but this prediction has not been confirmed by published transcriptional studies. This variant has not been reported in the literature in individuals with KIF1A-related conditions.

Literature cited by the submitters: PubMed 17576681; PubMed 9536098.

NM_001244008.2(KIF1A):c.4743G>A (p.Lys1581=)

Gene: KIF1A (kinesin family member 1A; minus strand). Cytogenetic location: 2q37.3.
Variant type: single nucleotide variant.
Coding change: c.4743G>A on transcript NM_001244008.2 (MANE Select); coding-DNA position 4743, G replaced by A.
Protein change: p.Lys1581=; no amino-acid change (lysine 1581 retained).
Molecular consequence: synonymous variant.
Genome position (GRCh38, 1-based): chr2:240,721,807, C>T on the plus strand (G>A on the coding strand, the complement: KIF1A is on the minus strand). VCF-style: chr2-240721807-C-T. GRCh37 (hg19) VCF-style: chr2-241661224-C-T.
Other names: c.4467G>A, p.Lys1489= (NM_001320705.2, NM_001379649.1); c.4494G>A, p.Lys1498= (NM_001330289.2); c.4542G>A, p.Lys1514= (NM_001330290.2, NM_001379648.1); c.4818G>A, p.Lys1606= (NM_001379631.1); c.4719G>A, p.Lys1573= (NM_001379632.1); c.4716G>A, p.Lys1572= (NM_001379633.1, NM_001379645.1); c.4569G>A, p.Lys1523= (NM_001379634.1); c.4566G>A, p.Lys1522= (NM_001379635.1, NM_001379646.1); and 7 more.
Identifiers: ClinVar variation 855098 (VCV000855098.8), dbSNP rs2045426895, ClinGen allele CA432013185.